The following is an entry in ClinVar:

NM_001039141.3(TRIOBP):c.4610T>C (p.Val1537Ala)

Gene: TRIOBP (TRIO and F-actin binding protein; plus strand). Cytogenetic location: 22q13.1.
Variant type: single nucleotide variant.
Coding change: c.4610T>C on transcript NM_001039141.3 (MANE Select); coding-DNA position 4610, T replaced by C.
Protein change: p.Val1537Ala; replaces valine 1537 with alanine.
Molecular consequence: missense variant.
Genome position (GRCh38, 1-based): chr22:37,734,946, T>C. VCF-style: chr22-37734946-T-C. GRCh37 (hg19) VCF-style: chr22-38130953-T-C.
Other names: short protein forms V1537A.
Identifiers: ClinVar variation 3901656 (VCV003901656.1).

ClinVar aggregate classification (germline): Uncertain significance (1 of 4 stars; one submission).

gnomAD v4.1: 3 of 1,613,200 alleles (0.00019%); highest among the groups gnomAD compares: African/African-American, 0.0027%; no homozygotes.

Submission:

GeneDx
Classification: Uncertain significance. Last evaluated: 2024-12-05. Review status: criteria provided, single submitter. Criteria: GeneDx Variant Classification Process June 2021. Collection method: clinical testing. Allele origin: germline. Affected: yes.
Comment: Not observed at significant frequency in large population cohorts (gnomAD); In silico analysis indicates that this missense variant does not alter protein structure/function; Has not been previously published as pathogenic or benign to our knowledge